The following is an entry in ClinVar:

ClinVar aggregate classification (germline): Likely pathogenic (1 of 4 stars; one submission).

Conditions:
Atypical hemolytic-uremic syndrome. Identifiers: Orphanet 2134, MedGen C2931788, MONDO:0016244.

Submission:

Genomenon, Inc
Classification: Likely pathogenic for Atypical hemolytic-uremic syndrome. Last evaluated: 2025-10-02. Review status: criteria provided, single submitter. Criteria: Genomenon Sequence Variant Interpretation Standards - Updated. Collection method: curation. Allele origin: germline. Affected: yes.
Comment: CFH p.Glu1198Lys (c.3592G>A) is a missense variant that changes the amino acid at residue 1198 from Glutamic acid to Lysine. This variant has been observed in at least one proband affected with atypical hemolytic-uremic syndrome (PMID:20513133;16528247). A de novo occurrence of this variant has been observed in at least one affected individual (PMID:16528247). It is absent or not present at a significant frequency in gnomAD. In conclusion, we classify CFH p.Glu1198Lys (c.3592G>A) as a likely pathogenic variant.

Literature cited by the submitters: PubMed 20513133; PubMed 16528247.

NM_000186.4(CFH):c.3592G>A (p.Glu1198Lys)

Gene: CFH (complement factor H; plus strand). Cytogenetic location: 1q31.3.
Variant type: single nucleotide variant.
Coding change: c.3592G>A on transcript NM_000186.4 (MANE Select); coding-DNA position 3592, G replaced by A.
Protein change: p.Glu1198Lys; replaces glutamic acid 1198 with lysine.
Molecular consequence: missense variant.
Genome position (GRCh38, 1-based): chr1:196,747,209, G>A. VCF-style: chr1-196747209-G-A. GRCh37 (hg19) VCF-style: chr1-196716339-G-A.
Other names: short protein forms E1198K.
Identifiers: ClinVar variation 4291623 (VCV004291623.1).